The following is an entry in ClinVar:

ClinVar aggregate classification (germline): Likely benign (1 of 4 stars; one submission).

Allele frequency attached by ClinVar (database versions not stated): 1000 Genomes Project 0.00026; gnomAD 0.00026; TOPMed 0.00033; ExAC 0.00041; gnomAD exomes 0.00041; ESP Exome Variant Server 0.00047; 1000 Genomes Project 30x 0.00083.
gnomAD v4.1: 491 of 1,209,416 alleles (0.041%); highest among the groups gnomAD compares: Non-Finnish European, 0.039%; no homozygotes.

Submission:

CeGaT Center for Human Genetics Tuebingen
Classification: Likely benign. Last evaluated: 2022-06-01. Review status: criteria provided, single submitter. Criteria: CeGaT Center For Human Genetics Tuebingen Variant Classification Criteria Version 2. Collection method: clinical testing. Allele origin: germline. Affected: yes. Observed: 1 variant allele.
Comment: MAGEC2: BP4, BP7

NM_016249.4(MAGEC2):c.1050C>T (p.Thr350=)

Gene: MAGEC2 (MAGE family member C2; minus strand). Cytogenetic location: Xq27.2.
Variant type: single nucleotide variant.
Coding change: c.1050C>T on transcript NM_016249.4 (MANE Select); coding-DNA position 1050, C replaced by T.
Protein change: p.Thr350=; no amino-acid change (threonine 350 retained).
Molecular consequence: synonymous variant.
Genome position (GRCh38, 1-based): chrX:142,202,938, G>A on the plus strand (C>T on the coding strand, the complement: MAGEC2 is on the minus strand). VCF-style: chrX-142202938-G-A. GRCh37 (hg19) VCF-style: chrX-141290724-G-A.
Identifiers: ClinVar variation 2661573 (VCV002661573.24), dbSNP rs140947271, ClinGen allele CA10534093.